The following is an entry in ClinVar:

ClinVar aggregate classification (germline): Uncertain significance (1 of 4 stars; one submission).

Conditions:
Charcot-Marie-Tooth disease type 2. Also called: Charcot-Marie-Tooth type 2. Identifiers: Orphanet 64746, MedGen C0270914, MONDO:0018993.

Submission:

Labcorp Genetics (formerly Invitae), Labcorp
Classification: Uncertain significance for Charcot-Marie-Tooth disease type 2. Last evaluated: 2022-03-26. Review status: criteria provided, single submitter. Criteria: Invitae Variant Classification Sherloc (09022015). Collection method: clinical testing. Allele origin: germline.
Comment: In summary, the available evidence is currently insufficient to determine the role of this variant in disease. Therefore, it has been classified as a Variant of Uncertain Significance. Advanced modeling of protein sequence and biophysical properties (such as structural, functional, and spatial information, amino acid conservation, physicochemical variation, residue mobility, and thermodynamic stability) performed at Invitae indicates that this missense variant is expected to disrupt MFN2 protein function. This variant has not been reported in the literature in individuals affected with MFN2-related conditions. This sequence change replaces valine, which is neutral and non-polar, with alanine, which is neutral and non-polar, at codon 620 of the MFN2 protein (p.Val620Ala). This variant is not present in population databases (gnomAD no frequency).

NM_014874.4(MFN2):c.1859T>C (p.Val620Ala)

Gene: MFN2 (mitofusin 2; plus strand). Cytogenetic location: 1p36.22.
Variant type: single nucleotide variant.
Coding change: c.1859T>C on transcript NM_014874.4 (MANE Select); coding-DNA position 1859, T replaced by C.
Protein change: p.Val620Ala; replaces valine 620 with alanine.
Molecular consequence: missense variant.
Genome position (GRCh38, 1-based): chr1:12,006,680, T>C. VCF-style: chr1-12006680-T-C. GRCh37 (hg19) VCF-style: chr1-12066737-T-C.
Other names: c.1859T>C, p.Val620Ala (NM_001127660.2); short protein forms V620A.
Identifiers: ClinVar variation 2117862 (VCV002117862.4), dbSNP rs2523095553, ClinGen allele CA338449619.